The following is an entry in ClinVar:

NM_001004051.4(GPRASP2):c.1597C>T (p.Leu533Phe)

Genes: ARMCX5-GPRASP2 (ARMCX5-GPRASP2 readthrough; plus strand), GPRASP2 (G protein-coupled receptor associated sorting protein 2; plus strand). Cytogenetic location: Xq22.1.
Variant type: single nucleotide variant.
Coding change: c.1597C>T on transcript NM_001004051.4 (MANE Select); coding-DNA position 1597, C replaced by T.
Protein change: p.Leu533Phe; replaces leucine 533 with phenylalanine.
Molecular consequence: missense variant. On other transcripts: intron variant (3).
Genome position (GRCh38, 1-based): chrX:102,716,466, C>T. VCF-style: chrX-102716466-C-T. GRCh37 (hg19) VCF-style: chrX-101971394-C-T.
Other names: c.1597C>T, p.Leu533Phe (NM_001199818.1, NM_001184874.3, NM_001184875.3 and 2 more transcripts); c.-820+2200C>T (NM_001350268.2); c.-752+2200C>T (NM_001350269.2); c.-721+2200C>T (NM_001350270.1); short protein forms L533F.
Identifiers: ClinVar variation 2661084 (VCV002661084.24), dbSNP rs2521612550, ClinGen allele CA414070481.

ClinVar aggregate classification (germline): Uncertain significance (1 of 4 stars; one submission).

Submission:

CeGaT Center for Human Genetics Tuebingen
Classification: Uncertain significance. Last evaluated: 2023-02-01. Review status: criteria provided, single submitter. Criteria: CeGaT Center For Human Genetics Tuebingen Variant Classification Criteria Version 2. Collection method: clinical testing. Allele origin: germline. Affected: yes. Observed: 1 variant allele.
Comment: GPRASP2: PM2, BP4